The following is an entry in ClinVar:

NM_006949.4(STXBP2):c.1008C>G (p.Tyr336Ter)

Gene: STXBP2 (syntaxin binding protein 2; plus strand). Cytogenetic location: 19p13.2.
Variant type: single nucleotide variant.
Coding change: c.1008C>G on transcript NM_006949.4 (MANE Select); coding-DNA position 1008, C replaced by G.
Protein change: p.Tyr336Ter; replaces tyrosine 336 with a stop codon.
Molecular consequence: nonsense. On other transcripts: non-coding transcript variant (1).
Genome position (GRCh38, 1-based): chr19:7,643,030, C>G. VCF-style: chr19-7643030-C-G. GRCh37 (hg19) VCF-style: chr19-7707916-C-G.
Other names: c.999C>G, p.Tyr333Ter (NM_001127396.3); c.1041C>G, p.Tyr347Ter (NM_001272034.2); c.912C>G, p.Tyr304Ter (NM_001414484.1); short protein forms Y336*, Y333*, Y347*, Y304*.
Identifiers: ClinVar variation 2744752 (VCV002744752.3), dbSNP rs2512700288, ClinGen allele CA403160635.

ClinVar aggregate classification (germline): Pathogenic (1 of 4 stars; one submission).

Conditions:
Familial hemophagocytic lymphohistiocytosis 5. Also called: STXBP2-Related Familial Hemophagocytic Lymphohistiocytosis (STXBP2-fHLH). Identifiers: Orphanet 540, MedGen C2751293, MONDO:0013135, OMIM 613101.

Submission:

Labcorp Genetics (formerly Invitae), Labcorp
Classification: Pathogenic for Familial hemophagocytic lymphohistiocytosis 5. Last evaluated: 2023-07-18. Review status: criteria provided, single submitter. Criteria: Invitae Variant Classification Sherloc (09022015). Collection method: clinical testing. Allele origin: germline.
Comment: For these reasons, this variant has been classified as Pathogenic. This variant has not been reported in the literature in individuals affected with STXBP2-related conditions. This variant is not present in population databases (gnomAD no frequency). This sequence change creates a premature translational stop signal (p.Tyr336*) in the STXBP2 gene. It is expected to result in an absent or disrupted protein product. Loss-of-function variants in STXBP2 are known to be pathogenic (PMID: 19804848, 22451424).

Literature cited by the submitters: PubMed 19804848; PubMed 22451424.